The following is an entry in ClinVar:

ClinVar aggregate classification (germline): Likely pathogenic (1 of 4 stars; one submission).

Submission:

CeGaT Center for Human Genetics Tuebingen
Classification: Likely pathogenic. Last evaluated: 2025-08-01. Review status: criteria provided, single submitter. Criteria: CeGaT Center For Human Genetics Tuebingen Variant Classification Criteria Version 2. Collection method: clinical testing. Allele origin: germline. Affected: yes. Observed: 1 variant allele.
Comment: ASXL2: PVS1:Strong, PM2

NM_018263.6(ASXL2):c.1253del (p.Ser418fs)

Gene: ASXL2 (ASXL transcriptional regulator 2; minus strand). Cytogenetic location: 2p23.3.
Variant type: Deletion.
Coding change: c.1253del on transcript NM_018263.6 (MANE Select); coding-DNA position 1253, one base deleted (C; older notation c.1253delC).
Protein change: p.Ser418fs; shifts the reading frame from serine 418.
Molecular consequence: frameshift variant.
Genome position (GRCh38, 1-based): chr2:25,750,303, G deleted on the plus strand (C on the coding strand, the reverse complement: ASXL2 is on the minus strand). VCF-style (leftmost placement, unchanged base first): chr2-25750302-AG-A. GRCh37 (hg19) VCF-style: chr2-25973171-AG-A.
Other names: c.1079del, p.Ser360fs (NM_001369346.1); c.473del, p.Ser158fs (NM_001369347.1); short protein forms S158fs, S360fs, S418fs.
Identifiers: ClinVar variation 4085835 (VCV004085835.8).
Genomic context (GRCh38, chr2:25,750,302, plus strand): 5'-CATTTGCAATGCTTCTTCTTTACACTCTGACTGGGAGACTACTGGAACTATTCTGATAAG[AG>A]AGGCCTCTGACACAGGCATGGATTTTGGTTGTTCAGCTGGGGTTTTCTTTACTTTGGGAT-3'